The following is an entry in ClinVar:

NM_006206.6(PDGFRA):c.2611C>G (p.Leu871Val)

Gene: PDGFRA (platelet derived growth factor receptor alpha; plus strand). Cytogenetic location: 4q12.
Variant type: single nucleotide variant.
Coding change: c.2611C>G on transcript NM_006206.6 (MANE Select); coding-DNA position 2611, C replaced by G.
Protein change: p.Leu871Val; replaces leucine 871 with valine.
Molecular consequence: missense variant.
Genome position (GRCh38, 1-based): chr4:54,287,478, C>G. VCF-style: chr4-54287478-C-G. GRCh37 (hg19) VCF-style: chr4-55153645-C-G.
Other names: c.2686C>G, p.Leu896Val (NM_001347828.2); c.2611C>G, p.Leu871Val (NM_001347829.2); c.2650C>G, p.Leu884Val (NM_001347830.2); short protein forms L871V, L896V, L884V.
Identifiers: ClinVar variation 3416444 (VCV003416444.3).
Genomic context (GRCh38, chr4:54,287,478, plus strand): 5'-CCTTCCTTGCAGACCTTTCTGCCCGTGAAGTGGATGGCTCCTGAGAGCATCTTTGACAAC[C>G]TCTACACCACACTGAGTGATGTCTGGTCTTATGGCATTCTGCTCTGGGAGATCTTTTCCC-3'
Protein context (NP_006197.1, residues 861-881): WMAPESIFDN[Leu871Val]YTTLSDVWSY

ClinVar aggregate classification (germline): Uncertain significance. Review status: criteria provided, multiple submitters, no conflicts (2 of 4 stars). 2 submissions from 2 submitters: Uncertain significance (2). Last evaluated 2024-11-20.

Conditions:
Gastrointestinal stromal tumor. Also called: Gastrointestinal stromal tumor, somatic; Gastrointestinal stroma tumor. Identifiers: Orphanet 44890, MedGen C0238198, MeSH D046152, MONDO:0011719, OMIM 606764, HP:0100723.
Hereditary cancer-predisposing syndrome. Also called: Neoplastic Syndromes, Hereditary; Tumor predisposition; Hereditary Cancer Syndrome; Hereditary neoplastic syndrome. Identifiers: Orphanet 140162, MedGen C0027672, MeSH D009386, MONDO:0015356.

Submissions (2):

Ambry Genetics
Classification: Uncertain significance for Hereditary cancer-predisposing syndrome. Last evaluated: 2024-11-20. Review status: criteria provided, single submitter. Criteria: Ambry Variant Classification Scheme 2023. Collection method: clinical testing. Allele origin: germline.
Comment: The p.L871V variant (also known as c.2611C>G), located in coding exon 18 of the PDGFRA gene, results from a C to G substitution at nucleotide position 2611. The leucine at codon 871 is replaced by valine, an amino acid with highly similar properties. This amino acid position is conserved. In addition, the in silico prediction for this alteration is inconclusive. Based on the available evidence, the clinical significance of this variant remains unclear.

Labcorp Genetics (formerly Invitae), Labcorp
Classification: Uncertain significance for Gastrointestinal stromal tumor. Last evaluated: 2024-09-30. Review status: criteria provided, single submitter. Criteria: Invitae Variant Classification Sherloc (09022015). Collection method: clinical testing. Allele origin: germline.
Comment: This sequence change replaces leucine, which is neutral and non-polar, with valine, which is neutral and non-polar, at codon 871 of the PDGFRA protein (p.Leu871Val). This variant is not present in population databases (gnomAD no frequency). This variant has not been reported in the literature in individuals affected with PDGFRA-related conditions. Invitae Evidence Modeling of protein sequence and biophysical properties (such as structural, functional, and spatial information, amino acid conservation, physicochemical variation, residue mobility, and thermodynamic stability) has been performed for this missense variant. However, the output from this modeling did not meet the statistical confidence thresholds required to predict the impact of this variant on PDGFRA protein function. In summary, the available evidence is currently insufficient to determine the role of this variant in disease. Therefore, it has been classified as a Variant of Uncertain Significance.